The following is an entry in ClinVar:

ClinVar aggregate classification (germline): Conflicting classifications of pathogenicity. Review status: criteria provided, conflicting classifications (1 of 4 stars). 4 submissions from 4 submitters: Likely pathogenic (1); Uncertain significance (2). 1 of the submissions does not count toward it. Last evaluated 2022-10-05.

Conditions:
Glycine encephalopathy. Also called: Nonketotic hyperglycinemia; Non-ketotic hyperglycinemia. Identifiers: Orphanet 407, MedGen C0751748, MONDO:0011612, HP:0008288.
Abnormal brain morphology. Also called: Abnormality of brain morphology. Identifiers: MedGen C4021085, HP:0012443.

Allele frequency attached by ClinVar (database versions not stated): gnomAD 0.00001; gnomAD exomes 0.00002 and 0.00003; TOPMed 0.00002; ExAC 0.00003.
gnomAD v4.1: 47 of 1,613,638 alleles (0.0029%); highest among the groups gnomAD compares: East Asian, 0.089%; no homozygotes.

Submissions (4):

Women's Health and Genetics/Laboratory Corporation of America, LabCorp
Classification: Uncertain significance. Last evaluated: 2022-10-05. Review status: criteria provided, single submitter. Criteria: LabCorp Variant Classification Summary - May 2015. Collection method: clinical testing. Allele origin: germline.
Comment: Variant summary: GLDC c.2938A>G (p.Asn980Asp) results in a conservative amino acid change in the encoded protein sequence. Five of five in-silico tools predict a benign effect of the variant on protein function. The variant allele was found at a frequency of 2e-05 in 251428 control chromosomes. c.2938A>G has been reported in the literature in one individual affected with intellectual disability and seizures. These data indicate that the variant may be associated with disease. To our knowledge, no experimental evidence demonstrating an impact on protein function has been reported. Two clinical diagnostic laboratories have submitted clinical-significance assessments for this variant to ClinVar after 2014 without evidence for independent evaluation. Both laboratories classified the variant as uncertain significance. Based on the evidence outlined above, the variant was classified as VUS-possibly pathogenic.

Labcorp Genetics (formerly Invitae), Labcorp
Classification: Uncertain significance for Glycine encephalopathy. Last evaluated: 2022-03-15. Review status: criteria provided, single submitter. Criteria: Invitae Variant Classification Sherloc (09022015). Collection method: clinical testing. Allele origin: germline.
Comment: This sequence change replaces asparagine, which is neutral and polar, with aspartic acid, which is acidic and polar, at codon 980 of the GLDC protein (p.Asn980Asp). This variant is present in population databases (rs772574530, gnomAD 0.02%). This missense change has been observed in individual(s) with GLDC-related condition (PMID: 26539891). ClinVar contains an entry for this variant (Variation ID: 402186). Advanced modeling of protein sequence and biophysical properties (such as structural, functional, and spatial information, amino acid conservation, physicochemical variation, residue mobility, and thermodynamic stability) performed at Invitae indicates that this missense variant is not expected to disrupt GLDC protein function. In summary, the available evidence is currently insufficient to determine the role of this variant in disease. Therefore, it has been classified as a Variant of Uncertain Significance.

Lupski Lab, Baylor-Hopkins CMG, Baylor College of Medicine
Classification: Likely pathogenic for Abnormal brain morphology. Review status: criteria provided, single submitter. Criteria: Karaca et al. (Neuron 2015). Collection method: research. Allele origin: inherited. Inheritance: Autosomal recessive inheritance. Affected: yes.

Natera, Inc.
Classification: Uncertain significance for Non-ketotic hyperglycinemia. Last evaluated: 2020-09-16. Review status: no assertion criteria provided. Collection method: clinical testing. Allele origin: germline. Not counted in ClinVar's aggregate classification.

Literature cited by the submitters: PubMed 26539891 (cited by Women's Health and Genetics/Laboratory Corporation of America, LabCorp and Labcorp Genetics (formerly Invitae), Labcorp).

NM_000170.3(GLDC):c.2938A>G (p.Asn980Asp)

Gene: GLDC (glycine decarboxylase; minus strand). Cytogenetic location: 9p24.1.
Variant type: single nucleotide variant.
Coding change: c.2938A>G on transcript NM_000170.3 (MANE Select); coding-DNA position 2938, A replaced by G.
Protein change: p.Asn980Asp; replaces asparagine 980 with aspartic acid.
Molecular consequence: missense variant.
Genome position (GRCh38, 1-based): chr9:6,533,142, T>C on the plus strand (A>G on the coding strand, the complement: GLDC is on the minus strand). VCF-style: chr9-6533142-T-C. GRCh37 (hg19) VCF-style: chr9-6533142-T-C.
Other names: short protein forms N980D.
Identifiers: ClinVar variation 402186 (VCV000402186.6), dbSNP rs772574530, ClinGen allele CA4979992.
Genomic context (GRCh38, chr9:6,533,142, plus strand): 5'-AAACCAGGTGCTGATCTCCATATATGTCATCAATCCGGGCAATCGTTGGCCAGAATTTGT[T>C]CTCTGGTTTCACGAAGGGCTGCAAAGGACAAAAGATGGAAATGCTGTGAGATGTTCTGGG-3'
Protein context (NP_000161.2, residues 970-990): AFPLPFVKPE[Asn980Asp]KFWPTIARID